The following is an entry in ClinVar:

ClinVar aggregate classification (germline): Uncertain significance (1 of 4 stars; one submission).

gnomAD v4.1: 7 of 1,608,122 alleles (0.00044%); highest among the groups gnomAD compares: South Asian, 0.0011%; no homozygotes.

Submission:

Labcorp Genetics (formerly Invitae), Labcorp
Classification: Uncertain significance. Last evaluated: 2022-06-22. Review status: criteria provided, single submitter. Criteria: Invitae Variant Classification Sherloc (09022015). Collection method: clinical testing. Allele origin: germline.
Comment: This sequence change replaces isoleucine, which is neutral and non-polar, with asparagine, which is neutral and polar, at codon 1430 of the ADGRV1 protein (p.Ile1430Asn). This variant is present in population databases (no rsID available, gnomAD 0.0009%). This variant has not been reported in the literature in individuals affected with ADGRV1-related conditions. Algorithms developed to predict the effect of missense changes on protein structure and function are either unavailable or do not agree on the potential impact of this missense change (SIFT: "Deleterious"; PolyPhen-2: "Probably Damaging"; Align-GVGD: "Class C0"). In summary, the available evidence is currently insufficient to determine the role of this variant in disease. Therefore, it has been classified as a Variant of Uncertain Significance.

NM_032119.4(ADGRV1):c.4289T>A (p.Ile1430Asn)

Gene: ADGRV1 (adhesion G protein-coupled receptor V1; plus strand). Cytogenetic location: 5q14.3.
Variant type: single nucleotide variant.
Coding change: c.4289T>A on transcript NM_032119.4 (MANE Select); coding-DNA position 4289, T replaced by A.
Protein change: p.Ile1430Asn; replaces isoleucine 1430 with asparagine.
Molecular consequence: missense variant. On other transcripts: non-coding transcript variant (1).
Genome position (GRCh38, 1-based): chr5:90,653,863, T>A. VCF-style: chr5-90653863-T-A. GRCh37 (hg19) VCF-style: chr5-89949680-T-A.
Other names: short protein forms I1430N.
Identifiers: ClinVar variation 1978290 (VCV001978290.1), dbSNP rs770390429, ClinGen allele CA360402200.